The following is an entry in ClinVar:

NM_000218.3(KCNQ1):c.386T>C (p.Val129Ala)

Gene: KCNQ1 (potassium voltage-gated channel subfamily Q member 1; plus strand). Cytogenetic location: 11p15.5.
Variant type: single nucleotide variant.
Coding change: c.386T>C on transcript NM_000218.3 (MANE Select); coding-DNA position 386, T replaced by C.
Protein change: p.Val129Ala; replaces valine 129 with alanine.
Molecular consequence: missense variant.
Genome position (GRCh38, 1-based): chr11:2,445,484, T>C. VCF-style: chr11-2445484-T-C. GRCh37 (hg19) VCF-style: chr11-2466714-T-C.
Other names: short protein forms V129A.
Identifiers: ClinVar variation 945727 (VCV000945727.8), dbSNP rs1846024488, ClinGen allele CA379117880.

ClinVar aggregate classification (germline): Uncertain significance (1 of 4 stars; one submission).

Conditions:
Long QT syndrome (LQTS). Identifiers: MedGen C0023976, MeSH D008133, MONDO:0002442. Disease mechanism: loss of function. Inheritance: Various modes of inheritance.

Submission:

Labcorp Genetics (formerly Invitae), Labcorp
Classification: Uncertain significance for Long QT syndrome. Last evaluated: 2021-12-17. Review status: criteria provided, single submitter. Criteria: Invitae Variant Classification Sherloc (09022015). Collection method: clinical testing. Allele origin: germline.
Comment: In summary, the available evidence is currently insufficient to determine the role of this variant in disease. Therefore, it has been classified as a Variant of Uncertain Significance. This variant disrupts the p.Val129 amino acid residue in KCNQ1. Other variant(s) that disrupt this residue have been observed in individuals with KCNQ1-related conditions (PMID: 27920829), which suggests that this may be a clinically significant amino acid residue. Experimental studies have shown that this missense change affects KCNQ1 function (PMID: 27920829). Algorithms developed to predict the effect of missense changes on protein structure and function are either unavailable or do not agree on the potential impact of this missense change (SIFT: "Deleterious"; PolyPhen-2: "Benign"; Align-GVGD: "Class C55"). ClinVar contains an entry for this variant (Variation ID: 945727). This missense change has been observed in individual(s) with clinical features of long QT syndrome (Invitae). This variant is not present in population databases (gnomAD no frequency). This sequence change replaces valine, which is neutral and non-polar, with alanine, which is neutral and non-polar, at codon 129 of the KCNQ1 protein (p.Val129Ala).

Literature cited by the submitters: PubMed 27920829.